The following is an entry in ClinVar:

NM_133433.4(NIPBL):c.6705_6707del (p.Lys2235del)

Gene: NIPBL (NIPBL cohesin loading factor; plus strand). Cytogenetic location: 5p13.2.
Variant type: Deletion.
Coding change: c.6705_6707del on transcript NM_133433.4 (MANE Select); coding-DNA positions 6705 to 6707, 3 bases deleted (AAA; older notation c.6705_6707delAAA).
Protein change: p.Lys2235del; deletes lysine 2235.
Molecular consequence: inframe deletion.
Genome position (GRCh38, 1-based): chr5:37,048,617-37,048,619, AAA deleted; deleting any 3 consecutive bases within chr5:37,048,614-37,048,619 gives the same sequence; the c. name uses the placement nearest the transcript's 3' end. VCF-style (leftmost placement, unchanged base first): chr5-37048613-TAAA-T. GRCh37 (hg19) VCF-style: chr5-37048715-TAAA-T.
Other names: c.6705_6707del, p.Lys2235del (NM_015384.5); short protein forms K2235del.
Identifiers: ClinVar variation 1172561 (VCV001172561.4), dbSNP rs797045778, ClinGen allele CA2499217844.

ClinVar aggregate classification (germline): Uncertain significance. Review status: criteria provided, multiple submitters, no conflicts (2 of 4 stars). 2 submissions from 2 submitters: Uncertain significance (2). Last evaluated 2021-05-28.

Conditions:
Cornelia de Lange syndrome 1 (CDLS1). Also called: Brachmann de Lange syndrome; NIPBL-Related Cornelia de Lange Syndrome; TYPUS DEGENERATIVUS AMSTELODAMENSIS. Identifiers: Orphanet 199, MedGen C4551851, MONDO:0007387, OMIM 122470.

Submissions (2):

HudsonAlpha Institute for Biotechnology
Classification: Uncertain significance for Cornelia de Lange syndrome 1. Last evaluated: 2021-05-28. Review status: criteria provided, single submitter. Criteria: ACMG Guidelines, 2015. Collection method: research. Allele origin: unknown. Affected: yes. Observed: 1 variant allele. Study: CSER-SouthSeq.
Comment: ACMG codes:PM2; PP4

Revvity Omics, Revvity
Classification: Uncertain significance for Cornelia de Lange syndrome 1. Last evaluated: 2021-04-08. Review status: criteria provided, single submitter. Criteria: ACMG Guidelines, 2015. Collection method: clinical testing. Allele origin: germline.